The following is an entry in ClinVar:

ClinVar aggregate classification (germline): Likely pathogenic (1 of 4 stars; one submission).

Submission:

GeneDx
Classification: Likely pathogenic. Last evaluated: 2025-01-13. Review status: criteria provided, single submitter. Criteria: GeneDx Variant Classification Process June 2021. Collection method: clinical testing. Allele origin: germline. Affected: yes.
Comment: Frameshift variant predicted to result in protein truncation or nonsense mediated decay in a gene for which loss of function is a known mechanism of disease; Not observed at significant frequency in large population cohorts (gnomAD); Has not been previously published as pathogenic or benign to our knowledge

NM_020533.3(MCOLN1):c.321_328del (p.Tyr109fs)

Gene: MCOLN1 (mucolipin TRP cation channel 1; plus strand). Cytogenetic location: 19p13.2.
Variant type: Deletion.
Coding change: c.321_328del on transcript NM_020533.3 (MANE Select); coding-DNA positions 321 to 328, 8 bases deleted (GGGCTACT; older notation c.321_328delGGGCTACT).
Protein change: p.Tyr109fs; shifts the reading frame from tyrosine 109.
Molecular consequence: frameshift variant.
Genome position (GRCh38, 1-based): chr19:7,526,522-7,526,529, GGGCTACT deleted; deleting any 8 consecutive bases within chr19:7,526,520-7,526,529 gives the same sequence; the c. name uses the placement nearest the transcript's 3' end. VCF-style (leftmost placement, unchanged base first): chr19-7526519-GCTGGGCTA-G. GRCh37 (hg19) VCF-style: chr19-7591405-GCTGGGCTA-G.
Other names: c.321_328delGGGCTACT (NM_020533.2); c.321_328del (NM_020533.2); short protein forms Y109fs.
Identifiers: ClinVar variation 817247 (VCV000817247.2), dbSNP rs1599253207, ClinGen allele CA915951624.
Genomic context (GRCh38, chr19:7,526,519, plus strand): 5'-TAATCAGCTGGCTGTGACATTCCGGGAAGAGAACACCATCGCCTTCCGACACCTCTTCCT[GCTGGGCTA>G]CTCGGACGGAGCGGATGACACCTTCGCAGCCTACACGCGGGAGCAGCTGTACCAGGCCAT-3'